The following is an entry in ClinVar:

NM_152383.5(DIS3L2):c.2183C>T (p.Ala728Val)

Gene: DIS3L2 (DIS3 like 3'-5' exoribonuclease 2; plus strand). Cytogenetic location: 2q37.1.
Variant type: single nucleotide variant.
Coding change: c.2183C>T on transcript NM_152383.5 (MANE Select); coding-DNA position 2183, C replaced by T.
Protein change: p.Ala728Val; replaces alanine 728 with valine.
Molecular consequence: missense variant. On other transcripts: non-coding transcript variant (2), intron variant (1).
Genome position (GRCh38, 1-based): chr2:232,334,393, C>T. VCF-style: chr2-232334393-C-T. GRCh37 (hg19) VCF-style: chr2-233199103-C-T.
Other names: c.1582-8952C>T (NM_001257281.2); short protein forms A728V.
Identifiers: ClinVar variation 410755 (VCV000410755.11), dbSNP rs753952840, ClinGen allele CA2164439.

ClinVar aggregate classification (germline): Uncertain significance (1 of 4 stars; one submission).

Conditions:
Perlman syndrome (PRLMNS). Identifiers: Orphanet 2849, MedGen C0796113, MONDO:0009965, OMIM 267000.

Allele frequency attached by ClinVar (database versions not stated): gnomAD below 0.00001 and 0.00001; ExAC 0.00001; gnomAD exomes 0.00001; TOPMed 0.00001.
gnomAD v4.1: 16 of 1,613,518 alleles (0.00099%); highest among the groups gnomAD compares: South Asian, 0.0044%; no homozygotes.

Submission:

Labcorp Genetics (formerly Invitae), Labcorp
Classification: Uncertain significance for Perlman syndrome. Last evaluated: 2024-05-13. Review status: criteria provided, single submitter. Criteria: Invitae Variant Classification Sherloc (09022015). Collection method: clinical testing. Allele origin: germline.
Comment: This sequence change replaces alanine, which is neutral and non-polar, with valine, which is neutral and non-polar, at codon 728 of the DIS3L2 protein (p.Ala728Val). This variant is present in population databases (rs753952840, gnomAD 0.006%). This variant has not been reported in the literature in individuals affected with DIS3L2-related conditions. ClinVar contains an entry for this variant (Variation ID: 410755). Advanced modeling of protein sequence and biophysical properties (such as structural, functional, and spatial information, amino acid conservation, physicochemical variation, residue mobility, and thermodynamic stability) performed at Invitae indicates that this missense variant is not expected to disrupt DIS3L2 protein function with a negative predictive value of 80%. RNA analysis performed to evaluate the impact of this missense change on mRNA splicing indicates it does not significantly alter splicing (Invitae). In summary, the available evidence is currently insufficient to determine the role of this variant in disease. Therefore, it has been classified as a Variant of Uncertain Significance.